The following is an entry in ClinVar:

NM_000051.4(ATM):c.4374_4377dup (p.Ala1460fs)

Gene: ATM (ATM serine/threonine kinase; plus strand). Cytogenetic location: 11q22.3.
Variant type: Duplication.
Coding change: c.4374_4377dup on transcript NM_000051.4 (MANE Select); coding-DNA positions 4374 to 4377, 4 bases duplicated (AGGA; older notation c.4374_4377dupAGGA).
Protein change: p.Ala1460fs; shifts the reading frame from alanine 1460.
Molecular consequence: frameshift variant.
Genome position (GRCh38, 1-based): chr11:108,289,739-108,289,742, AGGA duplicated. VCF-style (leftmost placement, unchanged base first): chr11-108289738-G-GAGGA. GRCh37 (hg19) VCF-style: chr11-108160465-G-GAGGA.
Other names: c.4374_4377dup, p.Ala1460fs (NM_001351834.2); short protein forms A1460fs.
Identifiers: ClinVar variation 1692712 (VCV001692712.1), dbSNP rs2135764458, ClinGen allele CA2573146602.

ClinVar aggregate classification (germline): Likely pathogenic (1 of 4 stars; one submission).

Conditions:
Hereditary cancer-predisposing syndrome. Also called: Hereditary Cancer Syndrome; Hereditary neoplastic syndrome; Neoplastic Syndromes, Hereditary; Tumor predisposition. Identifiers: Orphanet 140162, MedGen C0027672, MeSH D009386, MONDO:0015356.

Submission:

Sema4
Classification: Likely pathogenic for Hereditary cancer-predisposing syndrome. Last evaluated: 2021-12-01. Review status: criteria provided, single submitter. Criteria: Sema4 Curation Guidelines. Collection method: curation. Allele origin: germline.
Comment: The ATM c.4374_4377dup (p.A1460RfsX32) variant has not been reported in the literature to our knowledge. This variant causes a frameshift at amino acid 1460 that results in premature termination 32 amino acids downstream. At this location, the variant is predicted to cause loss of normal protein function through nonsense-mediated mRNA decay or protein truncation. Loss of function variants in ATM are known to be pathogenic (PMID: 31050087). It was not observed in the Genome Aggregation Database (PMID: 32461654), nor in ClinVar. Based on the current evidence available, this variant is interpreted as likely pathogenic.

Literature cited by the submitters: PubMed 31050087.